The following is an entry in ClinVar:

NM_000283.4(PDE6B):c.2110A>G (p.Thr704Ala)

Gene: PDE6B (phosphodiesterase 6B; plus strand). Cytogenetic location: 4p16.3.
Variant type: single nucleotide variant.
Coding change: c.2110A>G on transcript NM_000283.4 (MANE Select); coding-DNA position 2110, A replaced by G.
Protein change: p.Thr704Ala; replaces threonine 704 with alanine.
Molecular consequence: missense variant.
Genome position (GRCh38, 1-based): chr4:664,202, A>G. VCF-style: chr4-664202-A-G. GRCh37 (hg19) VCF-style: chr4-657991-A-G.
Other names: c.2110A>G, p.Thr704Ala (NM_001145291.2); c.1273A>G, p.Thr425Ala (NM_001145292.2, NM_001350154.3, NM_001379246.1 and 1 more transcripts); c.955A>G, p.Thr319Ala (NM_001350155.3); short protein forms T425A, T319A, T704A.
Identifiers: ClinVar variation 2045859 (VCV002045859.5), dbSNP rs1737501662, ClinGen allele CA355919534.

ClinVar aggregate classification (germline): Uncertain significance. Review status: criteria provided, multiple submitters, no conflicts (2 of 4 stars). 2 submissions from 2 submitters: Uncertain significance (2). Last evaluated 2023-05-08.

Allele frequency attached by ClinVar (database versions not stated): gnomAD exomes below 0.00001; TOPMed below 0.00001.
gnomAD v4.1: 7 of 1,602,850 alleles (0.00044%); highest among the groups gnomAD compares: Non-Finnish European, 0.00051%; no homozygotes.

Submissions (2):

Labcorp Genetics (formerly Invitae), Labcorp
Classification: Uncertain significance. Last evaluated: 2023-05-08. Review status: criteria provided, single submitter. Criteria: Invitae Variant Classification Sherloc (09022015). Collection method: clinical testing. Allele origin: germline.
Comment: This sequence change replaces threonine, which is neutral and polar, with alanine, which is neutral and non-polar, at codon 704 of the PDE6B protein (p.Thr704Ala). In summary, the available evidence is currently insufficient to determine the role of this variant in disease. Therefore, it has been classified as a Variant of Uncertain Significance. Advanced modeling of protein sequence and biophysical properties (such as structural, functional, and spatial information, amino acid conservation, physicochemical variation, residue mobility, and thermodynamic stability) performed at Invitae indicates that this missense variant is not expected to disrupt PDE6B protein function. ClinVar contains an entry for this variant (Variation ID: 2045859). This variant has not been reported in the literature in individuals affected with PDE6B-related conditions. This variant is not present in population databases (gnomAD no frequency).

Blueprint Genetics
Classification: Uncertain significance. Last evaluated: 2022-11-15. Review status: criteria provided, single submitter. Criteria: ACMG Guidelines, 2015. Collection method: clinical testing. Allele origin: germline.